The following is an entry in ClinVar:

ClinVar aggregate classification (germline): Uncertain significance. Review status: criteria provided, multiple submitters, no conflicts (2 of 4 stars). 2 submissions from 2 submitters: Uncertain significance (2). Last evaluated 2025-06-29.

Conditions:
Inborn genetic diseases. Identifiers: MedGen C0950123, MeSH D030342.
Neuropathy, hereditary sensory and autonomic, type 1C. Also called: HSAN IC; HSN IC. Identifiers: Orphanet 36386, MedGen C3150896, MONDO:0013337, OMIM 613640.

Allele frequency attached by ClinVar (database versions not stated): ExAC 0.00001; gnomAD 0.00001; TOPMed 0.00001; gnomAD exomes 0.00002 and 0.00003.
gnomAD v4.1: 35 of 1,613,778 alleles (0.0022%); highest among the groups gnomAD compares: South Asian, 0.015%; 1 homozygote.

Submissions (2):

Labcorp Genetics (formerly Invitae), Labcorp
Classification: Uncertain significance for Neuropathy, hereditary sensory and autonomic, type 1C. Last evaluated: 2025-06-29. Review status: criteria provided, single submitter. Criteria: Invitae Variant Classification Sherloc (09022015). Collection method: clinical testing. Allele origin: germline.
Comment: This sequence change replaces arginine, which is basic and polar, with glutamine, which is neutral and polar, at codon 302 of the SPTLC2 protein (p.Arg302Gln). This variant is present in population databases (rs766660719, gnomAD 0.006%). This variant has not been reported in the literature in individuals affected with SPTLC2-related conditions. ClinVar contains an entry for this variant (Variation ID: 650883). Invitae Evidence Modeling of protein sequence and biophysical properties (such as structural, functional, and spatial information, amino acid conservation, physicochemical variation, residue mobility, and thermodynamic stability) has been performed for this missense variant. However, the output from this modeling did not meet the statistical confidence thresholds required to predict the impact of this variant on SPTLC2 protein function. In summary, the available evidence is currently insufficient to determine the role of this variant in disease. Therefore, it has been classified as a Variant of Uncertain Significance.

Ambry Genetics
Classification: Uncertain significance for Inborn genetic diseases. Last evaluated: 2022-08-15. Review status: criteria provided, single submitter. Criteria: Ambry Variant Classification Scheme 2023. Collection method: clinical testing. Allele origin: germline.
Comment: The p.R302Q variant (also known as c.905G>A), located in coding exon 7 of the SPTLC2 gene, results from a G to A substitution at nucleotide position 905. The arginine at codon 302 is replaced by glutamine, an amino acid with highly similar properties. This amino acid position is conserved. In addition, this alteration is predicted to be deleterious by in silico analysis. Since supporting evidence is limited at this time, the clinical significance of this alteration remains unclear.

NM_004863.4(SPTLC2):c.905G>A (p.Arg302Gln)

Gene: SPTLC2 (serine palmitoyltransferase long chain base subunit 2; minus strand). Cytogenetic location: 14q24.3.
Variant type: single nucleotide variant.
Coding change: c.905G>A on transcript NM_004863.4 (MANE Select); coding-DNA position 905, G replaced by A.
Protein change: p.Arg302Gln; replaces arginine 302 with glutamine.
Molecular consequence: missense variant.
Genome position (GRCh38, 1-based): chr14:77,557,092, C>T on the plus strand (G>A on the coding strand, the complement: SPTLC2 is on the minus strand). VCF-style: chr14-77557092-C-T. GRCh37 (hg19) VCF-style: chr14-78023435-C-T.
Other names: short protein forms R302Q.
Identifiers: ClinVar variation 650883 (VCV000650883.10), dbSNP rs766660719, ClinGen allele CA7289320.